The following continues an entry in ClinVar:

NM_000157.4(GBA1):c.1226A>G (p.Asn409Ser)

ClinVar aggregate classification (germline): Pathogenic/Likely pathogenic; risk factor. Pathogenic (49); Likely pathogenic (4).

Submissions 48 to 63 of 63:

Genetic Services Laboratory, University of Chicago
Classification: Pathogenic for Gaucher disease, type I. Last evaluated: 2015-02-12. Review status: criteria provided, single submitter. Criteria: ACMG Guidelines, 2015. Collection method: clinical testing. Allele origin: germline. Affected: yes.

Courtagen Diagnostics Laboratory, Courtagen Life Sciences
Classification: Pathogenic for Gaucher disease, type I. Last evaluated: 2015-01-26. Review status: criteria provided, single submitter. Criteria: Courtagen Life Sciences Classifications. Collection method: clinical testing. Allele origin: germline.

Centre for Mendelian Genomics, University Medical Centre Ljubljana
Classification: Likely pathogenic for Akinesia; Rigidity. Last evaluated: 2014-02-19. Review status: criteria provided, single submitter. Criteria: ACMG Guidelines, 2015. Collection method: clinical testing. Allele origin: unknown. Affected: yes.

Baylor Genetics
Classification: Pathogenic for Gaucher disease type I; Gaucher disease type II; Gaucher disease type III; Gaucher disease-ophthalmoplegia-cardiovascular calcification syndrome. Review status: criteria provided, single submitter. Criteria: ACMG Guidelines, 2015. Collection method: clinical testing. Allele origin: germline.

Clinical Genetics Service, Universitary Hospital 12 de Octubre
Classification: Pathogenic for Parkinson disease, late-onset. Review status: criteria provided, single submitter. Criteria: ACMG Guidelines, 2015. Collection method: clinical testing. Allele origin: germline. Affected: yes.

Kariminejad - Najmabadi Pathology & Genetics Center
Classification: Pathogenic for Gaucher disease perinatal lethal. Review status: criteria provided, single submitter. Criteria: ACMG Guidelines, 2015. Collection method: clinical testing. Allele origin: germline. Affected: no.

Rady Children's Institute for Genomic Medicine, Rady Children's Hospital San Diego
Classification: Pathogenic for Gaucher Disease. Review status: criteria provided, single submitter. Criteria: ACMG Guidelines, 2015. Collection method: clinical testing. Allele origin: germline. Affected: yes.
Comment: This variant is also known in literature as p.Asn370Ser (PMID: 23588557), and is the most common cause of Gaucher disease (PMID: 3353383, 26096741, 12022475). It has also been reported in patients with Parkinson disease or Lewy body dementia (LBD) spectrum of disorders (PMID: 21745757, 25249066). Functional studies indicate that this variant reduces enzyme activity of the GBA protein (PMID: 22592100, 8294487, 22160715). The frequency data for variants in the GBA gene in population databases may be unreliable due to the presence of pseudogenes and paralogs (PMID: 20301446). In silico analyses support a deleterious effect of the c.1226A>G (p.Asn409Ser) variant on protein function. Based on the available evidence, the c.1226A>G (p.Asn409Ser) variant is classified as Pathogenic.

Division of Human Genetics, Children's Hospital of Philadelphia
Classification: Pathogenic for Gaucher disease, type I. Last evaluated: 2015-03-24. Review status: no assertion criteria provided. Collection method: research. Allele origin: germline. Affected: no. Study: CSER-PediSeq. Not counted in ClinVar's aggregate classification.
Comment: The GBA variant (c.1226A>G) was identified in many patients in the literature and is a well-known pathogenic variant with phenotypic variability (Tsuji et al. 1988, PMID: 3353383; Fairley et al. 2008, PMID: 18979180; Hruska et al. 2008, PMID: 18338393). The variant is more commonly known as “N370S” reflecting an older nomenclature. Approximately one quarter of all reported type 1 Gaucher disease cases in the International Collaborative Gaucher Group (ICGG) Gaucher Registry are homozygotes for this allele (Fairley et al. 2008, PMID: 18979180). Alleles with this mutation have been shown to have lower activity compared to the wildtype (Grace et al. 1994, PMID: 23510062; Montfort et al. 2004, PMID: 15146461).

OMIM
Classification: Pathogenic for GAUCHER DISEASE, TYPE I. Last evaluated: 2010-08-01. Review status: no assertion criteria provided. Collection method: literature only. Allele origin: germline. Not counted in ClinVar's aggregate classification.

OMIM
Classification: risk factor for PARKINSON DISEASE, LATE-ONSET SUSCEPTIBILITY TO. Last evaluated: 2010-08-01. Review status: no assertion criteria provided. Collection method: literature only. Allele origin: germline. Not counted in ClinVar's aggregate classification.

OMIM
Classification: risk factor for DEMENTIA, LEWY BODY, SUSCEPTIBILITY TO. Last evaluated: 2010-08-01. Review status: no assertion criteria provided. Collection method: literature only. Allele origin: germline. Not counted in ClinVar's aggregate classification.

Clinical Genetics DNA and cytogenetics Diagnostics Lab, Erasmus MC, Erasmus Medical Center
Classification: Pathogenic. Review status: no assertion criteria provided. Collection method: clinical testing. Allele origin: germline. Affected: yes. Study: VKGL Data-share Consensus. Not counted in ClinVar's aggregate classification.

Diagnostic Laboratory, Department of Genetics, University Medical Center Groningen
Classification: Pathogenic. Review status: no assertion criteria provided. Collection method: clinical testing. Allele origin: germline. Affected: yes. Study: VKGL Data-share Consensus. Not counted in ClinVar's aggregate classification.

GeneReviews
No classification provided. Condition: Gaucher disease. Review status: no classification provided. Collection method: literature only. Allele origin: germline. Not counted in ClinVar's aggregate classification.

Joint Genome Diagnostic Labs from Nijmegen and Maastricht, Radboudumc and MUMC+
Classification: Pathogenic. Review status: no assertion criteria provided. Collection method: clinical testing. Allele origin: germline. Affected: yes. Study: VKGL Data-share Consensus. Not counted in ClinVar's aggregate classification.

Birmingham Platelet Group; University of Birmingham
Classification: Uncertain significance for Thrombocytopenia; Abnormal bleeding. Last evaluated: 2020-05-01. Review status: flagged submission. Collection method: research. Allele origin: germline. Affected: yes. Not counted in ClinVar's aggregate classification.
ClinVar note: Reason: Outlier claim with insufficient supporting evidence

Literature cited by the submitters: PubMed 23676350 (cited by 6 submitters); PubMed 25249066 (cited by 9 submitters); PubMed 26096741 (cited by 8 submitters); PubMed 28779532 (cited by 5 submitters); PubMed 8294487 (cited by 8 submitters); PubMed 22160715 (cited by 5 submitters); PubMed 22592100 (cited by 5 submitters); PubMed 29920646 (cited by Natera, Inc.); PubMed 3353383 (cited by 6 submitters); PubMed 20301446 (cited by 3 submitters); PubMed 21745757 (cited by Rady Children's Institute for Genomic Medicine, Rady Children's Hospital San Diego and AiLife Diagnostics); PubMed 23588557 (cited by 3 submitters); PubMed 25558695 (cited by Rady Children's Institute for Genomic Medicine, Rady Children's Hospital San Diego); PubMed 26905200 (cited by 3 submitters); PubMed 25456120 (cited by 4 submitters); PubMed 1864608 (cited by Victorian Clinical Genetics Services, Murdoch Childrens Research Institute); PubMed 10079102 (cited by Victorian Clinical Genetics Services, Murdoch Childrens Research Institute); PubMed 15146461 (cited by 6 submitters); PubMed 26868973 (cited by Victorian Clinical Genetics Services, Murdoch Childrens Research Institute and Laboratory for Molecular Medicine, Mass General Brigham Personalized Medicine); PubMed 31010158 (cited by Victorian Clinical Genetics Services, Murdoch Childrens Research Institute); PubMed 18979180 (cited by 5 submitters); PubMed 19846850 (cited by 4 submitters); PubMed 25653295 (cited by 5 submitters); PubMed 35455941 (cited by Ambry Genetics); PubMed 38191580 (cited by Ambry Genetics); PubMed 22935721 (cited by Mayo Clinic Laboratories, Mayo Clinic); PubMed 11025794 (cited by Molecular Genetics, Royal Melbourne Hospital); PubMed 15826241 (cited by Molecular Genetics, Royal Melbourne Hospital and Dasa); PubMed 18332251 (cited by Molecular Genetics, Royal Melbourne Hospital and OMIM); PubMed 19286695 (cited by Molecular Genetics, Royal Melbourne Hospital and OMIM); PubMed 20947659 (cited by Molecular Genetics, Royal Melbourne Hospital and Illumina Laboratory Services, Illumina); PubMed 33209983 (cited by Molecular Genetics, Royal Melbourne Hospital); PubMed 16293621 (cited by 4 submitters); PubMed 15605411 (cited by Dasa); PubMed 28834018 (cited by AiLife Diagnostics); PubMed 20837833 (cited by AiLife Diagnostics); PubMed 27393345 (cited by AiLife Diagnostics); PubMed 21228398 (cited by AiLife Diagnostics); PubMed 22623374 (cited by AiLife Diagnostics); PubMed 27094865 (cited by AiLife Diagnostics); PubMed 22995991 (cited by AiLife Diagnostics); PubMed 30302829 (cited by AiLife Diagnostics); PubMed 30528841 (cited by AiLife Diagnostics); PubMed 30609409 (cited by AiLife Diagnostics); PubMed 21742527 (cited by AiLife Diagnostics); PubMed 17875915 (cited by AiLife Diagnostics); PubMed 9556036 (cited by AiLife Diagnostics); PubMed 21472771 (cited by AiLife Diagnostics and Broad Center for Mendelian Genomics, Broad Institute of MIT and Harvard); PubMed 33473340 (cited by AiLife Diagnostics); PubMed 22192918 (cited by AiLife Diagnostics and Illumina Laboratory Services, Illumina); PubMed 20816920 (cited by AiLife Diagnostics); PubMed 30146349 (cited by AiLife Diagnostics); PubMed 25333069 (cited by AiLife Diagnostics); PubMed 29487000 (cited by AiLife Diagnostics); PubMed 22220748 (cited by AiLife Diagnostics and Myriad Genetics, Inc.); PubMed 27312774 (cited by AiLife Diagnostics); PubMed 24434810 (cited by AiLife Diagnostics).